The following is an entry in ClinVar:

NM_017802.4(DNAAF5):c.69G>T (p.Glu23Asp)

Genes: DNAAF5 (dynein axonemal assembly factor 5; plus strand), PRKAR1B (protein kinase cAMP-dependent type I regulatory subunit beta; minus strand), LOC129997730 (ATAC-STARR-seq lymphoblastoid silent region 17816; plus strand). Cytogenetic location: 7p22.3.
Variant type: single nucleotide variant.
Coding change: c.69G>T on transcript NM_017802.4 (MANE Select); coding-DNA position 69, G replaced by T.
Protein change: p.Glu23Asp; replaces glutamic acid 23 with aspartic acid.
Molecular consequence: missense variant. On other transcripts: non-coding transcript variant (1), intron variant (3).
Genome position (GRCh38, 1-based): chr7:726,789, G>T. VCF-style: chr7-726789-G-T. GRCh37 (hg19) VCF-style: chr7-766426-G-T.
Other names: c.-23+866C>A (NM_001164759.1); c.-23+801C>A (NM_001164758.2); c.-23+421C>A (NM_001164760.2); short protein forms E23D.
Identifiers: ClinVar variation 1367513 (VCV001367513.8), dbSNP rs540763017, ClinGen allele CA4110348.

ClinVar aggregate classification (germline): Uncertain significance. Review status: criteria provided, multiple submitters, no conflicts (2 of 4 stars). 2 submissions from 2 submitters: Uncertain significance (2). Last evaluated 2024-11-23.

Conditions:
Primary ciliary dyskinesia. Also called: Ciliary dyskinesia. Identifiers: Orphanet 244, MedGen C0008780, MONDO:0016575, HP:0012265.

Allele frequency attached by ClinVar (database versions not stated): gnomAD 0.00004; TOPMed 0.00010; 1000 Genomes Project 0.00020; gnomAD exomes 0.00024; 1000 Genomes Project 30x 0.00031; ExAC 0.01282.
gnomAD v4.1: 227 of 1,283,428 alleles (0.018%); highest among the groups gnomAD compares: East Asian, 0.7%; 2 homozygotes.

Submissions (2):

Ambry Genetics
Classification: Uncertain significance for Primary ciliary dyskinesia. Last evaluated: 2024-11-23. Review status: criteria provided, single submitter. Criteria: Ambry Variant Classification Scheme 2023. Collection method: clinical testing. Allele origin: germline.
Comment: The p.E23D variant (also known as c.69G>T), located in coding exon 1 of the DNAAF5 gene, results from a G to T substitution at nucleotide position 69. The glutamic acid at codon 23 is replaced by aspartic acid, an amino acid with highly similar properties. This amino acid position is conserved. In addition, this alteration is predicted to be tolerated by in silico analysis. Based on the available evidence, the clinical significance of this variant remains unclear.

Labcorp Genetics (formerly Invitae), Labcorp
Classification: Uncertain significance for Primary ciliary dyskinesia. Last evaluated: 2024-01-18. Review status: criteria provided, single submitter. Criteria: Invitae Variant Classification Sherloc (09022015). Collection method: clinical testing. Allele origin: germline.
Comment: This sequence change replaces glutamic acid, which is acidic and polar, with aspartic acid, which is acidic and polar, at codon 23 of the DNAAF5 protein (p.Glu23Asp). This variant is present in population databases (rs540763017, gnomAD 0.1%). This variant has not been reported in the literature in individuals affected with DNAAF5-related conditions. ClinVar contains an entry for this variant (Variation ID: 1367513). Algorithms developed to predict the effect of missense changes on protein structure and function output the following: SIFT: "Not Available"; PolyPhen-2: "Benign"; Align-GVGD: "Not Available". The aspartic acid amino acid residue is found in multiple mammalian species, which suggests that this missense change does not adversely affect protein function. In summary, the available evidence is currently insufficient to determine the role of this variant in disease. Therefore, it has been classified as a Variant of Uncertain Significance.